The following is an entry in ClinVar:

ClinVar aggregate classification (germline): Uncertain significance. Review status: criteria provided, multiple submitters, no conflicts (2 of 4 stars). 5 submissions from 5 submitters: Uncertain significance (5). Last evaluated 2025-07-17.

Conditions:
ALK-related disorder. Also called: ALK-related condition.
Hereditary cancer-predisposing syndrome. Also called: Tumor predisposition; Hereditary neoplastic syndrome; Hereditary Cancer Syndrome; Neoplastic Syndromes, Hereditary. Identifiers: Orphanet 140162, MedGen C0027672, MeSH D009386, MONDO:0015356.
Neuroblastoma, susceptibility to, 3. Also called: ALK-Related Neuroblastic Tumor Susceptibility. Identifiers: Orphanet 635, MedGen C2751681, MONDO:0013083, OMIM 613014.

Allele frequency attached by ClinVar (database versions not stated): ExAC 0.00002; gnomAD 0.00003 and 0.00004; ESP Exome Variant Server 0.00008; gnomAD exomes below 0.00001 and 0.00001; TOPMed 0.00003.
gnomAD v4.1: 12 of 1,614,060 alleles (0.00074%); highest among the groups gnomAD compares: African/African-American, 0.016%; no homozygotes.

Submissions (5):

GeneDx
Classification: Uncertain significance. Last evaluated: 2025-07-17. Review status: criteria provided, single submitter. Criteria: GeneDx Variant Classification Process June 2021. Collection method: clinical testing. Allele origin: germline.
Comment: Not observed at significant frequency in large population cohorts (gnomAD); In silico analysis supports that this missense variant has a deleterious effect on protein structure/function; Has not been previously published as pathogenic or benign to our knowledge

Labcorp Genetics (formerly Invitae), Labcorp
Classification: Uncertain significance for Neuroblastoma, susceptibility to, 3. Last evaluated: 2025-06-01. Review status: criteria provided, single submitter. Criteria: Invitae Variant Classification Sherloc (09022015). Collection method: clinical testing. Allele origin: germline.
Comment: This sequence change replaces tyrosine, which is neutral and polar, with cysteine, which is neutral and slightly polar, at codon 1604 of the ALK protein (p.Tyr1604Cys). This variant is present in population databases (rs372440265, gnomAD 0.02%). This variant has not been reported in the literature in individuals affected with ALK-related conditions. ClinVar contains an entry for this variant (Variation ID: 239845). An algorithm developed to predict the effect of missense changes on protein structure and function (PolyPhen-2) suggests that this variant is likely to be disruptive. In summary, the available evidence is currently insufficient to determine the role of this variant in disease. Therefore, it has been classified as a Variant of Uncertain Significance.

Ambry Genetics
Classification: Uncertain significance for Hereditary cancer-predisposing syndrome. Last evaluated: 2024-04-29. Review status: criteria provided, single submitter. Criteria: Ambry Variant Classification Scheme 2023. Collection method: clinical testing. Allele origin: germline.
Comment: The p.Y1604C variant (also known as c.4811A>G), located in coding exon 29 of the ALK gene, results from an A to G substitution at nucleotide position 4811. The tyrosine at codon 1604 is replaced by cysteine, an amino acid with highly dissimilar properties. This amino acid position is conserved. In addition, this alteration is predicted to be tolerated by in silico analysis. Since supporting evidence is limited at this time, the clinical significance of this alteration remains unclear.

PreventionGenetics, part of Exact Sciences
Classification: Uncertain significance for ALK-related condition. Last evaluated: 2023-07-03. Review status: criteria provided, single submitter. Criteria: ACMG Guidelines, 2015. Collection method: clinical testing. Allele origin: germline.
Comment: The ALK c.4811A>G variant is predicted to result in the amino acid substitution p.Tyr1604Cys. To our knowledge, this variant has not been reported in the literature in affected individuals. This variant is reported in 0.020% of alleles in individuals of African descent in gnomAD and is reported in ClinVar as a variant of uncertain significance. At this time, the clinical significance of this variant is uncertain due to the absence of conclusive functional and genetic evidence.

Baylor Genetics
Classification: Uncertain significance for Neuroblastoma, susceptibility to, 3. Last evaluated: 2023-06-22. Review status: criteria provided, single submitter. Criteria: ACMG Guidelines, 2015. Collection method: clinical testing. Allele origin: unknown.

NM_004304.5(ALK):c.4811A>G (p.Tyr1604Cys)

Gene: ALK (ALK receptor tyrosine kinase; minus strand). Cytogenetic location: 2p23.2.
Variant type: single nucleotide variant.
Coding change: c.4811A>G on transcript NM_004304.5 (MANE Select); coding-DNA position 4811, A replaced by G.
Protein change: p.Tyr1604Cys; replaces tyrosine 1604 with cysteine.
Molecular consequence: missense variant.
Genome position (GRCh38, 1-based): chr2:29,193,276, T>C on the plus strand (A>G on the coding strand, the complement: ALK is on the minus strand). VCF-style: chr2-29193276-T-C. GRCh37 (hg19) VCF-style: chr2-29416142-T-C.
Other names: c.1607A>G, p.Tyr536Cys (NM_001353765.2); short protein forms Y1604C, Y536C.
Identifiers: ClinVar variation 239845 (VCV000239845.19), dbSNP rs372440265, ClinGen allele CA1593473.
Genomic context (GRCh38, chr2:29,193,276, plus strand): 5'-GACCGAGCTCAGGGCCCAGGCTGGTTCATGCTATTCTTGCTTTTCAGAATGGTATCCTCG[T>C]AATGACCAGCTCCAGGGGCAGTAGCGGCTTCTAAGGGCAAGCCCTGTTGCTGGTAGCCGT-3'
Protein context (NP_004295.2, residues 1594-1614): EAATAPGAGH[Tyr1604Cys]EDTILKSKNS